The following is an entry in ClinVar:

ClinVar aggregate classification (germline): Uncertain significance (1 of 4 stars; one submission).

Conditions:
Infantile spasms. Also called: Infantile spasm. Identifiers: MedGen C3887898, HP:0012469.

Allele frequency attached by ClinVar (database versions not stated): gnomAD exomes below 0.00001.
gnomAD v4.1: 1 of 1,614,218 alleles (0.000062%); highest among the groups gnomAD compares: Non-Finnish European, 0.000085%; no homozygotes.

Submission:

Labcorp Genetics (formerly Invitae), Labcorp
Classification: Uncertain significance for Infantile spasms. Last evaluated: 2021-12-03. Review status: criteria provided, single submitter. Criteria: Invitae Variant Classification Sherloc (09022015). Collection method: clinical testing. Allele origin: germline.
Comment: In summary, the available evidence is currently insufficient to determine the role of this variant in disease. Therefore, it has been classified as a Variant of Uncertain Significance. Algorithms developed to predict the effect of missense changes on protein structure and function are either unavailable or do not agree on the potential impact of this missense change (SIFT: "Tolerated"; PolyPhen-2: "Probably Damaging"; Align-GVGD: "Class C0"). This variant has not been reported in the literature in individuals affected with PIK3AP1-related conditions. This variant is not present in population databases (gnomAD no frequency). This sequence change replaces glutamine, which is neutral and polar, with arginine, which is basic and polar, at codon 636 of the PIK3AP1 protein (p.Gln636Arg).

NM_152309.3(PIK3AP1):c.1907A>G (p.Gln636Arg)

Gene: PIK3AP1 (phosphoinositide-3-kinase adaptor protein 1; minus strand). Cytogenetic location: 10q24.1.
Variant type: single nucleotide variant.
Coding change: c.1907A>G on transcript NM_152309.3 (MANE Select); coding-DNA position 1907, A replaced by G.
Protein change: p.Gln636Arg; replaces glutamine 636 with arginine.
Molecular consequence: missense variant.
Genome position (GRCh38, 1-based): chr10:96,620,386, T>C on the plus strand (A>G on the coding strand, the complement: PIK3AP1 is on the minus strand). VCF-style: chr10-96620386-T-C. GRCh37 (hg19) VCF-style: chr10-98380143-T-C.
Other names: short protein forms Q636R.
Identifiers: ClinVar variation 1360191 (VCV001360191.8), dbSNP rs2134201107, ClinGen allele CA377754936.